The following is an entry in ClinVar:

ClinVar aggregate classification (germline): Conflicting classifications of pathogenicity. Review status: criteria provided, conflicting classifications (1 of 4 stars). 2 submissions from 2 submitters: Uncertain significance (1); Likely benign (1). Last evaluated 2024-09-23.

Conditions:
Hereditary nonpolyposis colorectal neoplasms. Identifiers: MedGen C0009405, MeSH D003123.
Hereditary cancer-predisposing syndrome. Also called: Hereditary Cancer Syndrome; Hereditary neoplastic syndrome; Neoplastic Syndromes, Hereditary; Tumor predisposition. Identifiers: Orphanet 140162, MedGen C0027672, MeSH D009386, MONDO:0015356.

Allele frequency attached by ClinVar (database versions not stated): gnomAD exomes 0.00002; gnomAD 0.00007; TOPMed 0.00008.
gnomAD v4.1: 16 of 1,613,932 alleles (0.00099%); highest among the groups gnomAD compares: Admixed American, 0.025%; no homozygotes.

Submissions (2):

Ambry Genetics
Classification: Uncertain significance for Hereditary cancer-predisposing syndrome. Last evaluated: 2024-09-23. Review status: criteria provided, single submitter. Criteria: Ambry Variant Classification Scheme 2023. Collection method: clinical testing. Allele origin: germline.
Comment: The p.A1154G variant (also known as c.3461C>G), located in coding exon 6 of the MSH6 gene, results from a C to G substitution at nucleotide position 3461. The alanine at codon 1154 is replaced by glycine, an amino acid with similar properties. This amino acid position is highly conserved in available vertebrate species. In addition, this alteration is predicted to be deleterious by in silico analysis. Based on the available evidence, the clinical significance of this variant remains unclear.

Labcorp Genetics (formerly Invitae), Labcorp
Classification: Likely benign for Hereditary nonpolyposis colorectal neoplasms. Last evaluated: 2024-09-12. Review status: criteria provided, single submitter. Criteria: Invitae Variant Classification Sherloc (09022015). Collection method: clinical testing. Allele origin: germline.

NM_000179.3(MSH6):c.3461C>G (p.Ala1154Gly)

Gene: MSH6 (mutS homolog 6; plus strand). Cytogenetic location: 2p16.3.
Variant type: single nucleotide variant.
Coding change: c.3461C>G on transcript NM_000179.3 (MANE Select); coding-DNA position 3461, C replaced by G.
Protein change: p.Ala1154Gly; replaces alanine 1154 with glycine.
Molecular consequence: missense variant.
Genome position (GRCh38, 1-based): chr2:47,804,932, C>G. VCF-style: chr2-47804932-C-G. GRCh37 (hg19) VCF-style: chr2-48032071-C-G.
Other names: c.3071C>G, p.Ala1024Gly (NM_001281492.2); c.2555C>G, p.Ala852Gly (NM_001281493.2, NM_001281494.2); short protein forms A1154G, A852G, A1024G.
Identifiers: ClinVar variation 455263 (VCV000455263.14), dbSNP rs786202842, ClinGen allele CA346760045.